The following is an entry in ClinVar:

NM_152383.5(DIS3L2):c.135G>A (p.Lys45=)

Gene: DIS3L2 (DIS3 like 3'-5' exoribonuclease 2; plus strand). Cytogenetic location: 2q37.1.
Variant type: single nucleotide variant.
Coding change: c.135G>A on transcript NM_152383.5 (MANE Select); coding-DNA position 135, G replaced by A.
Protein change: p.Lys45=; no amino-acid change (lysine 45 retained).
Molecular consequence: synonymous variant. On other transcripts: non-coding transcript variant (2).
Genome position (GRCh38, 1-based): chr2:232,015,596, G>A. VCF-style: chr2-232015596-G-A. GRCh37 (hg19) VCF-style: chr2-232880306-G-A.
Other names: c.135G>A, p.Lys45= (NM_001257281.2, NM_001257282.2).
Identifiers: ClinVar variation 2194405 (VCV002194405.4), dbSNP rs2469595791, ClinGen allele CA431908849.

ClinVar aggregate classification (germline): Uncertain significance (1 of 4 stars; one submission).

Conditions:
Perlman syndrome (PRLMNS). Identifiers: Orphanet 2849, MedGen C0796113, MONDO:0009965, OMIM 267000.

Submission:

Labcorp Genetics (formerly Invitae), Labcorp
Classification: Uncertain significance for Perlman syndrome. Last evaluated: 2022-09-04. Review status: criteria provided, single submitter. Criteria: Invitae Variant Classification Sherloc (09022015). Collection method: clinical testing. Allele origin: germline.
Comment: In summary, the available evidence is currently insufficient to determine the role of this variant in disease. Therefore, it has been classified as a Variant of Uncertain Significance. Algorithms developed to predict the effect of sequence changes on RNA splicing suggest that this variant may disrupt the consensus splice site. This variant has not been reported in the literature in individuals affected with DIS3L2-related conditions. This variant is not present in population databases (gnomAD no frequency). This sequence change affects codon 45 of the DIS3L2 mRNA. It is a 'silent' change, meaning that it does not change the encoded amino acid sequence of the DIS3L2 protein.